The following is an entry in ClinVar:

NM_007294.4(BRCA1):c.1886G>T (p.Arg629Ile)

Gene: BRCA1 (BRCA1 DNA repair associated; minus strand). Cytogenetic location: 17q21.31.
Variant type: single nucleotide variant.
Coding change: c.1886G>T on transcript NM_007294.4 (MANE Select); coding-DNA position 1886, G replaced by T.
Protein change: p.Arg629Ile; replaces arginine 629 with isoleucine.
Molecular consequence: missense variant. On other transcripts: intron variant (137).
Genome position (GRCh38, 1-based): chr17:43,093,645, C>A on the plus strand (G>T on the coding strand, the complement: BRCA1 is on the minus strand). VCF-style: chr17-43093645-C-A. GRCh37 (hg19) VCF-style: chr17-41245662-C-A.
Other names: c.1673G>T, p.Arg558Ile (NM_001407571.1, NM_001407894.1, NM_001407915.1 and 9 more transcripts); c.1886G>T, p.Arg629Ile (NM_001407581.1, NM_001407582.1, NM_001407583.1 and 30 more transcripts); c.1883G>T, p.Arg628Ile (NM_001407587.1, NM_001407590.1, NM_001407591.1 and 22 more transcripts); c.1808G>T, p.Arg603Ile (NM_001407656.1, NM_001407657.1, NM_001407658.1 and 4 more transcripts); c.1805G>T, p.Arg602Ile (NM_001407659.1, NM_001407660.1, NM_001407661.1 and 1 more transcripts); c.1763G>T, p.Arg588Ile (NM_001407664.1, NM_001407675.1, NM_001407676.1 and 19 more transcripts); c.1745G>T, p.Arg582Ile (NM_001407695.1, NM_001407696.1, NM_001407697.1 and 29 more transcripts); c.1742G>T, p.Arg581Ile (NM_001407740.1, NM_001407741.1, NM_001407742.1 and 20 more transcripts); and 40 more; short protein forms R629I, R582I, R502I, R517I, R518I, R581I, R587I, R588I.
Identifiers: ClinVar variation 233033 (VCV000233033.23), dbSNP rs876660144, ClinGen allele CA10580645.

ClinVar aggregate classification (germline): Conflicting classifications of pathogenicity. Review status: criteria provided, conflicting classifications (1 of 4 stars). 5 submissions from 5 submitters: Uncertain significance (4); Likely benign (1). Last evaluated 2025-03-16.

Conditions:
Pancreatic cancer, susceptibility to, 4. Identifiers: Orphanet 1333, MedGen C3280442, MONDO:0013685, OMIM 614320.
Familial cancer of breast. Also called: BREAST CANCER, FAMILIAL; hereditary breast carcinoma; Hereditary breast cancer. Identifiers: Orphanet 227535, MedGen C0346153, MONDO:0016419, OMIM 114480. Disease mechanism: loss of function.
Breast-ovarian cancer, familial, susceptibility to, 1 (BROVCA1). Also called: BRCA1 Hereditary Breast and Ovarian Cancer; OVARIAN CANCER, SUSCEPTIBILITY TO. Identifiers: Orphanet 145, MedGen C2676676, MONDO:0011450, OMIM 604370. Disease mechanism: loss of function.
Fanconi anemia, complementation group S (FANCS). Identifiers: MedGen C4554406, MONDO:0054748, OMIM 617883.
Hereditary breast ovarian cancer syndrome. Also called: Breast and ovarian cancer; Hereditary breast and ovarian cancer; Hereditary breast and ovarian cancer syndrome; Hereditary breast and/or ovarian cancer syndrome; BRCA1- and BRCA2-Associated Hereditary Breast and Ovarian Cancer; Hereditary breast and ovarian cancer syndrome (HBOC). Identifiers: Orphanet 145, MedGen C0677776, MeSH D061325, MONDO:0003582. Disease mechanism: loss of function.
Hereditary cancer-predisposing syndrome. Also called: Tumor predisposition; Hereditary Cancer Syndrome; Neoplastic Syndromes, Hereditary; Hereditary neoplastic syndrome. Identifiers: Orphanet 140162, MedGen C0027672, MeSH D009386, MONDO:0015356.

Submissions (5):

Labcorp Genetics (formerly Invitae), Labcorp
Classification: Uncertain significance for Hereditary breast ovarian cancer syndrome. Last evaluated: 2025-03-16. Review status: criteria provided, single submitter. Criteria: Invitae Variant Classification Sherloc (09022015). Collection method: clinical testing. Allele origin: germline.
Comment: This sequence change replaces arginine, which is basic and polar, with isoleucine, which is neutral and non-polar, at codon 629 of the BRCA1 protein (p.Arg629Ile). This variant is not present in population databases (gnomAD no frequency). This variant has not been reported in the literature in individuals affected with BRCA1-related conditions. ClinVar contains an entry for this variant (Variation ID: 233033). Invitae Evidence Modeling of protein sequence and biophysical properties (such as structural, functional, and spatial information, amino acid conservation, physicochemical variation, residue mobility, and thermodynamic stability) has been performed for this missense variant. However, the output from this modeling did not meet the statistical confidence thresholds required to predict the impact of this variant on BRCA1 protein function. In summary, the available evidence is currently insufficient to determine the role of this variant in disease. Therefore, it has been classified as a Variant of Uncertain Significance.

Ambry Genetics
Classification: Uncertain significance for Hereditary cancer-predisposing syndrome. Last evaluated: 2024-05-14. Review status: criteria provided, single submitter. Criteria: Ambry Variant Classification Scheme 2023. Collection method: clinical testing. Allele origin: germline.
Comment: The p.R629I variant (also known as c.1886G>T), located in coding exon 9 of the BRCA1 gene, results from a G to T substitution at nucleotide position 1886. The arginine at codon 629 is replaced by isoleucine, an amino acid with similar properties. This alteration was identified in an individual diagnosed with breast cancer (Boga I et al. Eur J Breast Health, 2023 Jul;19:235-252). This amino acid position is not well conserved in available vertebrate species. In addition, the in silico prediction for this alteration is inconclusive. Based on the available evidence, the clinical significance of this variant remains unclear.

University of Washington Department of Laboratory Medicine, University of Washington
Classification: Likely benign for Hereditary cancer-predisposing syndrome. Last evaluated: 2023-03-23. Review status: criteria provided, single submitter. Criteria: Dines et al. (Genet Med. 2020). Collection method: curation. Allele origin: germline.
Comment: Missense variant in a coldspot region where missense variants are very unlikely to be pathogenic (PMID:31911673).

BRCA1 coldspot (exon 11 using historical exon numbering). Reclassification based on statistical prior probability

Fulgent Genetics
Classification: Uncertain significance for Familial cancer of breast; Breast-ovarian cancer, familial, susceptibility to, 1; Pancreatic cancer, susceptibility to, 4; Fanconi anemia, complementation group S. Last evaluated: 2022-05-24. Review status: criteria provided, single submitter. Criteria: ACMG Guidelines, 2015. Collection method: clinical testing. Allele origin: unknown.

Color Diagnostics, LLC DBA Color Health
Classification: Uncertain significance for Hereditary cancer-predisposing syndrome. Last evaluated: 2019-01-04. Review status: criteria provided, single submitter. Criteria: ACMG Guidelines, 2015. Collection method: clinical testing. Allele origin: germline.

Literature cited by the submitters: PubMed 37415649 (cited by Ambry Genetics).